The following is an entry in ClinVar:

ClinVar aggregate classification (germline): Pathogenic/Likely pathogenic. Review status: criteria provided, multiple submitters, no conflicts (2 of 4 stars). 2 submissions from 2 submitters: Pathogenic (1); Likely pathogenic (1). Last evaluated 2025-03-26.

Conditions:
Pulmonary hypertension, primary, 2. Identifiers: Orphanet 422, MedGen C3888002, MONDO:0014134, OMIM 615342.

gnomAD v4.1: 6 of 1,614,098 alleles (0.00037%); highest among the groups gnomAD compares: Non-Finnish European, 0.00051%; no homozygotes.

Submissions (2):

Labcorp Genetics (formerly Invitae), Labcorp
Classification: Pathogenic for Pulmonary hypertension, primary, 2. Last evaluated: 2025-03-26. Review status: criteria provided, single submitter. Criteria: Invitae Variant Classification Sherloc (09022015). Collection method: clinical testing. Allele origin: germline.
Comment: This sequence change creates a premature translational stop signal (p.Gln271*) in the SMAD9 gene. It is expected to result in an absent or disrupted protein product. Loss-of-function variants in SMAD9 are known to be pathogenic (PMID: 19419974, 31727138). This variant is not present in population databases (gnomAD no frequency). This variant has not been reported in the literature in individuals affected with SMAD9-related conditions. For these reasons, this variant has been classified as Pathogenic.

Juno Genomics, Hangzhou Juno Genomics, Inc
Classification: Likely pathogenic for Pulmonary hypertension, primary, 2. Review status: criteria provided, single submitter. Criteria: ACMG Guidelines, 2015. Collection method: clinical testing. Allele origin: germline.
Comment: Absent from controls (or at extremely low frequency if recessive) in Genome Aggregation Database.;Null variant in a gene where loss of function (LOF) is a known mechanism of disease.

Literature cited by the submitters: PubMed 19419974 (cited by Labcorp Genetics (formerly Invitae), Labcorp); PubMed 31727138 (cited by Labcorp Genetics (formerly Invitae), Labcorp).

NM_001127217.3(SMAD9):c.811C>T (p.Gln271Ter)

Gene: SMAD9 (SMAD family member 9; minus strand). Cytogenetic location: 13q13.3.
Variant type: single nucleotide variant.
Coding change: c.811C>T on transcript NM_001127217.3 (MANE Select); coding-DNA position 811, C replaced by T.
Protein change: p.Gln271Ter; replaces glutamine 271 with a stop codon.
Molecular consequence: nonsense.
Genome position (GRCh38, 1-based): chr13:36,865,729, G>A on the plus strand (C>T on the coding strand, the complement: SMAD9 is on the minus strand). VCF-style: chr13-36865729-G-A. GRCh37 (hg19) VCF-style: chr13-37439866-G-A.
Other names: c.700C>T, p.Gln234Ter (NM_001378621.1, NM_005905.6); short protein forms Q234*, Q271*.
Identifiers: ClinVar variation 3613689 (VCV003613689.4).
Genomic context (GRCh38, chr13:36,865,729, plus strand): 5'-CCTGGAATGTCTCCCCAACTCGGTTGTTCAGTTCATAGTAGGCGACCGAGCACCAGTGCT[G>A]GGGCTCCTCGTAACAAACTGGTCGAAAGTCTGGAAGAAAACAAACCAGAGAACACATGGC-3'